The following is an entry in ClinVar:

NM_153717.3(EVC):c.1907A>G (p.Gln636Arg)

Gene: EVC (EvC ciliary complex subunit 1; plus strand). Cytogenetic location: 4p16.2.
Variant type: single nucleotide variant.
Coding change: c.1907A>G on transcript NM_153717.3 (MANE Select); coding-DNA position 1907, A replaced by G.
Protein change: p.Gln636Arg; replaces glutamine 636 with arginine.
Molecular consequence: missense variant.
Genome position (GRCh38, 1-based): chr4:5,797,042, A>G. VCF-style: chr4-5797042-A-G. GRCh37 (hg19) VCF-style: chr4-5798769-A-G.
Other names: c.1907A>G, p.Gln636Arg (NM_001306090.2); c.1907A>G (NM_153717.2); short protein forms Q636R.
Identifiers: ClinVar variation 593369 (VCV000593369.7), dbSNP rs757227773, ClinGen allele CA2836317.

ClinVar aggregate classification (germline): Uncertain significance. Review status: criteria provided, multiple submitters, no conflicts (2 of 4 stars). 3 submissions from 3 submitters: Uncertain significance (3). Last evaluated 2024-12-22.

Conditions:
Ellis-van Creveld syndrome (EVC). Also called: EVC-Related Ellis-van Creveld Syndrome; EVC2-Related Ellis-van Creveld Syndrome; Chondroectodermal dysplasia; MESOECTODERMAL DYSPLASIA. Identifiers: Orphanet 289, MedGen C0013903, MONDO:0009162, OMIM 225500.
Curry-Hall syndrome (WAD). Also called: WEYERS ACRODENTAL DYSOSTOSIS. Identifiers: Orphanet 952, MedGen C0457013, MONDO:0008673, OMIM 193530.
Inborn genetic diseases. Identifiers: MedGen C0950123, MeSH D030342.

Allele frequency attached by ClinVar (database versions not stated): ExAC 0.00003; TOPMed 0.00005.
gnomAD v4.1: 83 of 1,613,080 alleles (0.0051%); highest among the groups gnomAD compares: Middle Eastern, 0.066%; no homozygotes.

Submissions (3):

Ambry Genetics
Classification: Uncertain significance for Inborn genetic diseases. Last evaluated: 2024-12-22. Review status: criteria provided, single submitter. Criteria: Ambry Variant Classification Scheme 2023. Collection method: clinical testing. Allele origin: germline.

Labcorp Genetics (formerly Invitae), Labcorp
Classification: Uncertain significance for Curry-Hall syndrome; Ellis-van Creveld syndrome. Last evaluated: 2022-06-13. Review status: criteria provided, single submitter. Criteria: Invitae Variant Classification Sherloc (09022015). Collection method: clinical testing. Allele origin: germline.
Comment: This sequence change replaces glutamine, which is neutral and polar, with arginine, which is basic and polar, at codon 636 of the EVC protein (p.Gln636Arg). This variant is present in population databases (rs757227773, gnomAD 0.02%). This variant has not been reported in the literature in individuals affected with EVC-related conditions. ClinVar contains an entry for this variant (Variation ID: 593369). Algorithms developed to predict the effect of missense changes on protein structure and function output the following: SIFT: "Deleterious"; PolyPhen-2: "Probably Damaging"; Align-GVGD: "Class C0". The arginine amino acid residue is found in multiple mammalian species, which suggests that this missense change does not adversely affect protein function. Algorithms developed to predict the effect of sequence changes on RNA splicing suggest that this variant may disrupt the consensus splice site. In summary, the available evidence is currently insufficient to determine the role of this variant in disease. Therefore, it has been classified as a Variant of Uncertain Significance.

Eurofins Ntd Llc (ga)
Classification: Uncertain significance. Last evaluated: 2017-08-08. Review status: criteria provided, single submitter. Criteria: EGL Classification Definitions 2015. Collection method: clinical testing. Allele origin: germline. Observed: 1 variant allele, 1 heterozygote.